The following is an entry in ClinVar:

ClinVar aggregate classification (germline): Benign. Review status: criteria provided, multiple submitters, no conflicts (2 of 4 stars). 3 submissions from 3 submitters: Benign (3). Last evaluated 2024-10-01.

Allele frequency attached by ClinVar (database versions not stated): 1000 Genomes Project 30x 0.00250; 1000 Genomes Project 0.00280; TOPMed 0.00640; gnomAD 0.00826 and 0.00864; gnomAD exomes 0.00870 and 0.01113; ESP Exome Variant Server 0.00884; ExAC 0.00888.
gnomAD v4.1: 17,309 of 1,613,462 alleles (1.1%); highest among the groups gnomAD compares: Non-Finnish European, 1.3%; 124 homozygotes.

Submissions (3):

CeGaT Center for Human Genetics Tuebingen
Classification: Benign. Last evaluated: 2024-10-01. Review status: criteria provided, single submitter. Criteria: CeGaT Center For Human Genetics Tuebingen Variant Classification Criteria Version 2. Collection method: clinical testing. Allele origin: germline. Affected: yes. Observed: 1 variant allele.
Comment: HDLBP: BP4, BS1, BS2

Labcorp Genetics (formerly Invitae), Labcorp
Classification: Benign. Last evaluated: 2019-12-31. Review status: criteria provided, single submitter. Criteria: Invitae Variant Classification Sherloc (09022015). Collection method: clinical testing. Allele origin: germline.

Breakthrough Genomics
Classification: Benign. Review status: criteria provided, single submitter. Criteria: ACMG Guidelines, 2015. Collection method: not provided. Allele origin: germline. Inheritance: Unknown mechanism. Affected: yes.

NM_005336.6(HDLBP):c.82A>G (p.Thr28Ala)

Gene: HDLBP (high density lipoprotein binding protein; minus strand). Cytogenetic location: 2q37.3.
Variant type: single nucleotide variant.
Coding change: c.82A>G on transcript NM_005336.6 (MANE Select); coding-DNA position 82, A replaced by G.
Protein change: p.Thr28Ala; replaces threonine 28 with alanine.
Molecular consequence: missense variant.
Genome position (GRCh38, 1-based): chr2:241,264,600, T>C on the plus strand (A>G on the coding strand, the complement: HDLBP is on the minus strand). VCF-style: chr2-241264600-T-C. GRCh37 (hg19) VCF-style: chr2-242204015-T-C.
Other names: c.190A>G, p.Thr64Ala (NM_001243900.3); c.82A>G, p.Thr28Ala (NM_001320965.3, NM_001320966.3, NM_001320967.3 and 1 more transcripts); short protein forms T64A, T28A.
Identifiers: ClinVar variation 784594 (VCV000784594.18), dbSNP rs144379709, ClinGen allele CA2217005.